The following is an entry in ClinVar:

NM_015512.5(DNAH1):c.5162C>A (p.Ser1721Tyr)

Gene: DNAH1 (dynein axonemal heavy chain 1; plus strand). Cytogenetic location: 3p21.1.
Variant type: single nucleotide variant.
Coding change: c.5162C>A on transcript NM_015512.5 (MANE Select); coding-DNA position 5162, C replaced by A.
Protein change: p.Ser1721Tyr; replaces serine 1721 with tyrosine.
Molecular consequence: missense variant.
Genome position (GRCh38, 1-based): chr3:52,363,062, C>A. VCF-style: chr3-52363062-C-A. GRCh37 (hg19) VCF-style: chr3-52397078-C-A.
Other names: short protein forms S1721Y.
Identifiers: ClinVar variation 1369405 (VCV001369405.6), dbSNP rs375094563, ClinGen allele CA2434116.
Genomic context (GRCh38, chr3:52,363,062, plus strand): 5'-TCCGACCCGTGGCCATGATGGTTCCAGATTACGCCATGATCACTGAGATCTCCCTCTATT[C>A]CTTTGGCTTTAATGAGGCCAGTGTGCTGGCTAAGAAGATCACAACCACCTTCAAGCTGTC-3'
Protein context (NP_056327.4, residues 1711-1731): YAMITEISLY[Ser1721Tyr]FGFNEASVLA

ClinVar aggregate classification (germline): Uncertain significance. Review status: criteria provided, multiple submitters, no conflicts (2 of 4 stars). 2 submissions from 2 submitters: Uncertain significance (2). Last evaluated 2024-02-20.

Conditions:
Spermatogenic failure 18. Identifiers: MedGen C4539783, MONDO:0054615, OMIM 617576.
Ciliary dyskinesia, primary, 37 (CILD37). Also called: CILIARY DYSKINESIA, PRIMARY, 37, WITH OR WITHOUT SITUS INVERSUS. Identifiers: MedGen C4539798, MONDO:0033204, OMIM 617577.

Allele frequency attached by ClinVar (database versions not stated): ExAC 0.00002; TOPMed 0.00006; gnomAD 0.00007 and 0.00009; ESP Exome Variant Server 0.00008; gnomAD exomes 0.00008 and 0.00018.
gnomAD v4.1: 266 of 1,613,886 alleles (0.016%); highest among the groups gnomAD compares: Non-Finnish European, 0.022%; no homozygotes.

Submissions (2):

Blueprint Genetics
Classification: Uncertain significance. Last evaluated: 2024-02-20. Review status: criteria provided, single submitter. Criteria: ACMG Guidelines, 2015. Collection method: clinical testing. Allele origin: germline.

Labcorp Genetics (formerly Invitae), Labcorp
Classification: Uncertain significance for Ciliary dyskinesia, primary, 37; Spermatogenic failure 18. Last evaluated: 2021-09-24. Review status: criteria provided, single submitter. Criteria: Invitae Variant Classification Sherloc (09022015). Collection method: clinical testing. Allele origin: germline.
Comment: This sequence change replaces serine with tyrosine at codon 1721 of the DNAH1 protein (p.Ser1721Tyr). The serine residue is highly conserved and there is a large physicochemical difference between serine and tyrosine. This variant is present in population databases (rs375094563, ExAC 0.004%). This variant has not been reported in the literature in individuals with DNAH1-related disease. Algorithms developed to predict the effect of missense changes on protein structure and function do not agree on the potential impact of this missense change (SIFT: "Deleterious"; PolyPhen-2: "Probably Damaging"; Align-GVGD: "Class C15"). In summary, the available evidence is currently insufficient to determine the role of this variant in disease. Therefore, it has been classified as a Variant of Uncertain Significance.